The following is an entry in ClinVar:

ClinVar aggregate classification (germline): Uncertain significance (1 of 4 stars; one submission).

Submission:

CeGaT Center for Human Genetics Tuebingen
Classification: Uncertain significance. Last evaluated: 2024-05-01. Review status: criteria provided, single submitter. Criteria: CeGaT Center For Human Genetics Tuebingen Variant Classification Criteria Version 2. Collection method: clinical testing. Allele origin: germline. Affected: yes. Observed: 1 variant allele.
Comment: MTOR: PM2, PP2, PP3

NM_004958.4(MTOR):c.7562T>A (p.Val2521Asp)

Gene: MTOR (mechanistic target of rapamycin kinase; minus strand). Cytogenetic location: 1p36.22.
Variant type: single nucleotide variant.
Coding change: c.7562T>A on transcript NM_004958.4 (MANE Select); coding-DNA position 7562, T replaced by A.
Protein change: p.Val2521Asp; replaces valine 2521 with aspartic acid.
Molecular consequence: missense variant.
Genome position (GRCh38, 1-based): chr1:11,108,253, A>T on the plus strand (T>A on the coding strand, the complement: MTOR is on the minus strand). VCF-style: chr1-11108253-A-T. GRCh37 (hg19) VCF-style: chr1-11168310-A-T.
Other names: c.7562T>A, p.Val2521Asp (NM_001386500.1); c.6314T>A, p.Val2105Asp (NM_001386501.1); short protein forms V2105D, V2521D.
Identifiers: ClinVar variation 3239588 (VCV003239588.19), dbSNP rs2521991407.
Genomic context (GRCh38, chr1:11,108,253, plus strand): 5'-CACTGGCAGAGGTTTTCATGGGATGTCGCTTGTTTGATGAGCAGCTCAACTTGCGTTGGA[A>T]CATCCAAAGTGTCATCATGAGAGAAGTCCCGACCTAGCACAGGAGGAACAAAAACATTTC-3'
Protein context (NP_004949.1, residues 2511-2531): RDFSHDDTLD[Val2521Asp]PTQVELLIKQ